The following is an entry in ClinVar:

ClinVar aggregate classification (germline): Uncertain significance (1 of 4 stars; one submission).

Conditions:
Inborn genetic diseases. Identifiers: MedGen C0950123, MeSH D030342.

Submission:

Ambry Genetics
Classification: Uncertain significance for Inborn genetic diseases. Last evaluated: 2019-03-18. Review status: criteria provided, single submitter. Criteria: Ambry Variant Classification Scheme 2023. Collection method: clinical testing. Allele origin: germline.
Comment: The p.A195D variant (also known as c.584C>A), located in coding exon 2 of the KCNC1 gene, results from a C to A substitution at nucleotide position 584. The alanine at codon 195 is replaced by aspartic acid, an amino acid with dissimilar properties. This amino acid position is highly conserved in available vertebrate species. In addition, this alteration is predicted to be deleterious by in silico analysis. Since supporting evidence is limited at this time, the clinical significance of this alteration remains unclear.

NM_001112741.2(KCNC1):c.584C>A (p.Ala195Asp)

Gene: KCNC1 (potassium voltage-gated channel subfamily C member 1; plus strand). Cytogenetic location: 11p15.1.
Variant type: single nucleotide variant.
Coding change: c.584C>A on transcript NM_001112741.2 (MANE Select); coding-DNA position 584, C replaced by A.
Protein change: p.Ala195Asp; replaces alanine 195 with aspartic acid.
Molecular consequence: missense variant.
Genome position (GRCh38, 1-based): chr11:17,771,678, C>A. VCF-style: chr11-17771678-C-A. GRCh37 (hg19) VCF-style: chr11-17793225-C-A.
Other names: c.584C>A, p.Ala195Asp (NM_004976.4); short protein forms A195D.
Identifiers: ClinVar variation 1750059 (VCV001750059.2), dbSNP rs2497798923, ClinGen allele CA379805578.